The following is an entry in ClinVar:

ClinVar aggregate classification (germline): Conflicting classifications of pathogenicity. Review status: criteria provided, conflicting classifications (1 of 4 stars). 2 submissions from 2 submitters: Likely pathogenic (1); Uncertain significance (1). Last evaluated 2026-03-13.

Conditions:
Congenital lactic acidosis, Saguenay-Lac-Saint-Jean type (MC4DN5). Also called: CYTOCHROME c OXIDASE DEFICIENCY, FRENCH CANADIAN TYPE; COX DEFICIENCY, FRENCH CANADIAN TYPE; MITOCHONDRIAL COMPLEX IV DEFICIENCY, NUCLEAR TYPE 5. Identifiers: Orphanet 70472, MedGen C1857355, MONDO:0009069, OMIM 220111.

Submissions (2):

Myriad Genetics, Inc.
Classification: Uncertain significance for Congenital lactic acidosis, Saguenay-Lac-Saint-Jean type. Last evaluated: 2026-03-13. Review status: criteria provided, single submitter. Criteria: Myriad Autosomal Dominant, Autosomal Recessive and X-Linked Classification Criteria (2023). Collection method: clinical testing. Allele origin: unknown.
Comment: NM_133259.3(LRPPRC):c.1677+3A>T is an intronic variant classified as a variant of uncertain significance in the context of Leigh syndrome, French-Canadian type. c.1677+3A>T has been observed in a case with relevant disease (PMID: 38703036). Relevant functional assessments of this variant are not available in the literature. c.1677+3A>T has not been observed in referenced population frequency databases. In summary, there is insufficient evidence to classify NM_133259.3(LRPPRC):c.1677+3A>T as pathogenic or benign. Please note: this variant was assessed in the context of healthy population screening.

Service de Génétique Médicale, Centre Hospitalier Universitaire de Nice-Université Côte d'Azur
Classification: Likely pathogenic for Congenital lactic acidosis, Saguenay-Lac-Saint-Jean type. Last evaluated: 2024-02-27. Review status: criteria provided, single submitter. Criteria: ACMG Guidelines, 2015. Collection method: clinical testing. Allele origin: germline. Affected: yes.

Literature cited by the submitters: PubMed 38703036 (cited by Myriad Genetics, Inc. and Service de Génétique Médicale, Centre Hospitalier Universitaire de Nice-Université Côte d'Azur).

NM_133259.4(LRPPRC):c.1677+3A>T

Gene: LRPPRC (leucine rich pentatricopeptide repeat containing; minus strand). Cytogenetic location: 2p21.
Variant type: single nucleotide variant.
Coding change: c.1677+3A>T on transcript NM_133259.4 (MANE Select); 3 bases into the intron after coding-DNA position 1677, A replaced by T.
Molecular consequence: intron variant.
Genome position (GRCh38, 1-based): chr2:43,950,570, T>A on the plus strand (A>T on the coding strand, the complement: LRPPRC is on the minus strand). VCF-style: chr2-43950570-T-A. GRCh37 (hg19) VCF-style: chr2-44177709-T-A.
Identifiers: ClinVar variation 3776778 (VCV003776778.2).